The following is an entry in ClinVar:

NM_001024383.2(NAV3):c.2878A>C (p.Lys960Gln)

Gene: NAV3 (neuron navigator 3; plus strand). Cytogenetic location: 12q21.2.
Variant type: single nucleotide variant.
Coding change: c.2878A>C on transcript NM_001024383.2 (MANE Select); coding-DNA position 2878, A replaced by C.
Protein change: p.Lys960Gln; replaces lysine 960 with glutamine.
Molecular consequence: missense variant.
Genome position (GRCh38, 1-based): chr12:78,118,135, A>C. VCF-style: chr12-78118135-A-C. GRCh37 (hg19) VCF-style: chr12-78511915-A-C.
Other names: c.2878A>C, p.Lys960Gln (NM_014903.6); short protein forms K960Q.
Identifiers: ClinVar variation 3730394 (VCV003730394.2).
Genomic context (GRCh38, chr12:78,118,135, plus strand): 5'-AGTCCTGAGGAACTGAAAAAACCAGAAGAAGATTTTGACAGCCATGGGGATGCTGGTGGC[A>C]AGTGGAAGACTGTGTCCTCTGGACTTCCTGAAGACCCCGAGAAGGCAGGGCAGAAAGCTT-3'
Protein context (NP_001019554.1, residues 950-970): DFDSHGDAGG[Lys960Gln]WKTVSSGLPE

ClinVar aggregate classification (germline): Uncertain significance (1 of 4 stars; one submission).

gnomAD v4.1: 1 of 1,614,046 alleles (0.000062%); highest among the groups gnomAD compares: Non-Finnish European, 0.000085%; no homozygotes.

Submission:

Labcorp Genetics (formerly Invitae), Labcorp
Classification: Uncertain significance. Last evaluated: 2024-11-23. Review status: criteria provided, single submitter. Criteria: Invitae Variant Classification Sherloc (09022015). Collection method: clinical testing. Allele origin: germline.
Comment: This sequence change replaces lysine, which is basic and polar, with glutamine, which is neutral and polar, at codon 960 of the NAV3 protein (p.Lys960Gln). This variant is not present in population databases (gnomAD no frequency). This variant has not been reported in the literature in individuals affected with NAV3-related conditions. An algorithm developed to predict the effect of missense changes on protein structure and function (PolyPhen-2) suggests that this variant is likely to be tolerated. In summary, the available evidence is currently insufficient to determine the role of this variant in disease. Therefore, it has been classified as a Variant of Uncertain Significance.